The following is an entry in ClinVar:

NM_002029.4(FPR1):c.926G>A (p.Arg309Gln)

Gene: FPR1 (formyl peptide receptor 1; minus strand). Cytogenetic location: 19q13.41.
Variant type: single nucleotide variant.
Coding change: c.926G>A on transcript NM_002029.4 (MANE Select); coding-DNA position 926, G replaced by A.
Protein change: p.Arg309Gln; replaces arginine 309 with glutamine.
Molecular consequence: missense variant.
Genome position (GRCh38, 1-based): chr19:51,746,069, C>T on the plus strand (G>A on the coding strand, the complement: FPR1 is on the minus strand). VCF-style: chr19-51746069-C-T. GRCh37 (hg19) VCF-style: chr19-52249322-C-T.
Other names: c.926G>A, p.Arg309Gln (NM_001193306.2); short protein forms R309Q.
Identifiers: ClinVar variation 1036271 (VCV001036271.10), dbSNP rs555690623, ClinGen allele CA9616360.
Genomic context (GRCh38, chr19:51,746,069, plus strand): 5'-GTTGAGTCCTCGGTCAGGGCCCTCTCCAGACTGGCGGGAAGGGCGTGGATCAGCCTCTCC[C>T]GGAAGTCCTGGCCCATGAAGACATAGAGCATGGGGTTGAGGCAGCTGTTGAAGAAGGCCA-3'
Protein context (NP_002020.1, residues 299-319): MLYVFMGQDF[Arg309Gln]ERLIHALPAS

ClinVar aggregate classification (germline): Uncertain significance (1 of 4 stars; one submission).

Conditions:
Gingival disorder. Also called: Gingival disease. Identifiers: MedGen C0017563, MONDO:0002021.

Allele frequency attached by ClinVar (database versions not stated): gnomAD exomes 0.00002 and 0.00004; gnomAD 0.00003 and 0.00004; TOPMed 0.00004; ExAC 0.00007; 1000 Genomes Project 30x 0.00016; 1000 Genomes Project 0.00020.
gnomAD v4.1: 35 of 1,614,194 alleles (0.0022%); highest among the groups gnomAD compares: East Asian, 0.011%; 1 homozygote.

Submission:

Labcorp Genetics (formerly Invitae), Labcorp
Classification: Uncertain significance for Gingival disorder. Last evaluated: 2025-05-14. Review status: criteria provided, single submitter. Criteria: Invitae Variant Classification Sherloc (09022015). Collection method: clinical testing. Allele origin: germline.
Comment: This sequence change replaces arginine, which is basic and polar, with glutamine, which is neutral and polar, at codon 309 of the FPR1 protein (p.Arg309Gln). This variant is present in population databases (rs555690623, gnomAD 0.03%). This variant has not been reported in the literature in individuals affected with FPR1-related conditions. ClinVar contains an entry for this variant (Variation ID: 1036271). An algorithm developed to predict the effect of missense changes on protein structure and function (PolyPhen-2) suggests that this variant is likely to be tolerated. In summary, the available evidence is currently insufficient to determine the role of this variant in disease. Therefore, it has been classified as a Variant of Uncertain Significance.